The following is an entry in ClinVar:

ClinVar aggregate classification (germline): Uncertain significance (1 of 4 stars; one submission).

Conditions:
Epidermolysis bullosa simplex with nail dystrophy (EBS5D). Identifiers: MedGen C4225309, MONDO:0014661, OMIM 616487.
Epidermolysis bullosa simplex, Ogna type (EBS5A). Also called: Pidermolysis bullosa simplex 5A, Ogna type; EPIDERMOLYSIS BULLOSA SIMPLEX 5A, OGNA TYPE. Identifiers: Orphanet 79401, MedGen C0432317, MONDO:0007555, OMIM 131950.
Autosomal recessive limb-girdle muscular dystrophy type 2Q (LGMDR17). Also called: MUSCULAR DYSTROPHY, LIMB-GIRDLE, AUTOSOMAL RECESSIVE 17. Identifiers: Orphanet 254361, MedGen C3150989, MONDO:0013390, OMIM 613723.
Epidermolysis bullosa simplex 5B, with muscular dystrophy (EBS5B). Also called: EPIDERMOLYSIS BULLOSA SIMPLEX AND LIMB-GIRDLE MUSCULAR DYSTROPHY; Epidermolysis bullosa simplex with muscular dystrophy. Identifiers: Orphanet 257, MedGen C2931072, MONDO:0009181, OMIM 226670.
Epidermolysis bullosa simplex 5C, with pyloric atresia (EBS5C). Also called: PLEC-Related Epidermolysis Bullosa with Pyloric Atresia; Epidermolysis bullosa simplex with pyloric atresia; PLEC1-Related Epidermolysis Bullosa with Pyloric Atresia. Identifiers: Orphanet 158684, MedGen C2677349, MONDO:0012807, OMIM 612138.

gnomAD v4.1: 23 of 1,612,334 alleles (0.0014%); highest among the groups gnomAD compares: South Asian, 0.0022%; no homozygotes.

Submission:

Labcorp Genetics (formerly Invitae), Labcorp
Classification: Uncertain significance for Autosomal recessive limb-girdle muscular dystrophy type 2Q; Epidermolysis bullosa simplex, Ogna type; Epidermolysis bullosa simplex with nail dystrophy; Epidermolysis bullosa simplex 5C, with pyloric atresia; Epidermolysis bullosa simplex 5B, with muscular dystrophy. Last evaluated: 2025-09-12. Review status: criteria provided, single submitter. Criteria: Invitae Variant Classification Sherloc (09022015). Collection method: clinical testing. Allele origin: germline.
Comment: This sequence change replaces valine, which is neutral and non-polar, with methionine, which is neutral and non-polar, at codon 578 of the PLEC protein (p.Val578Met). This variant is present in population databases (rs781943261, gnomAD 0.004%). This variant has not been reported in the literature in individuals affected with PLEC-related conditions. ClinVar contains an entry for this variant (Variation ID: 3753199). Invitae Evidence Modeling of protein sequence and biophysical properties (such as structural, functional, and spatial information, amino acid conservation, physicochemical variation, residue mobility, and thermodynamic stability) indicates that this missense variant is not expected to disrupt PLEC protein function with a negative predictive value of 80%. In summary, the available evidence is currently insufficient to determine the role of this variant in disease. Therefore, it has been classified as a Variant of Uncertain Significance.

NM_201384.3(PLEC):c.1651G>A (p.Val551Met)

Gene: PLEC (plectin; minus strand). Cytogenetic location: 8q24.3.
Variant type: single nucleotide variant.
Coding change: c.1651G>A on transcript NM_201384.3 (MANE Select); coding-DNA position 1651, G replaced by A.
Protein change: p.Val551Met; replaces valine 551 with methionine.
Molecular consequence: missense variant.
Genome position (GRCh38, 1-based): chr8:143,932,879, C>T on the plus strand (G>A on the coding strand, the complement: PLEC is on the minus strand). VCF-style: chr8-143932879-C-T. GRCh37 (hg19) VCF-style: chr8-145007047-C-T.
Other names: c.1732G>A, p.Val578Met (NM_000445.5, NM_001410941.1); c.1609G>A, p.Val537Met (NM_201378.4); c.1585G>A, p.Val529Met (NM_201379.3); c.2062G>A, p.Val688Met (NM_201380.4); c.1555G>A, p.Val519Met (NM_201381.3); c.1651G>A, p.Val551Met (NM_201382.4); c.1663G>A, p.Val555Met (NM_201383.3); short protein forms V519M, V529M, V537M, V551M, V555M, V578M, V688M.
Identifiers: ClinVar variation 3753199 (VCV003753199.2).